The following is an entry in ClinVar:

NM_018896.5(CACNA1G):c.4675C>T (p.Arg1559Cys)

Gene: CACNA1G (calcium voltage-gated channel subunit alpha1 G; plus strand). Cytogenetic location: 17q21.33.
Variant type: single nucleotide variant.
Coding change: c.4675C>T on transcript NM_018896.5 (MANE Select); coding-DNA position 4675, C replaced by T.
Protein change: p.Arg1559Cys; replaces arginine 1559 with cysteine.
Molecular consequence: missense variant. On other transcripts: non-coding transcript variant (5).
Genome position (GRCh38, 1-based): chr17:50,607,989, C>T. VCF-style: chr17-50607989-C-T. GRCh37 (hg19) VCF-style: chr17-48685350-C-T.
Other names: c.4675C>T, p.Arg1559Cys (NM_001256324.2, NM_001256325.2, NM_001256327.2 and 9 more transcripts); c.4573C>T, p.Arg1525Cys (NM_001256326.2, NM_001256329.2, NM_001256330.2 and 1 more transcripts); c.4504C>T, p.Arg1502Cys (NM_001256332.2); c.4594C>T, p.Arg1532Cys (NM_001256359.2, NM_001256361.2); c.4600C>T, p.Arg1534Cys (NM_001256360.2); c.4606C>T, p.Arg1536Cys (NM_198376.3, NM_198379.3, NM_198382.3 and 4 more transcripts); short protein forms R1534C, R1525C, R1532C, R1502C, R1536C, R1559C.
Identifiers: ClinVar variation 930844 (VCV000930844.3), dbSNP rs756359036, ClinGen allele CA8653117.

ClinVar aggregate classification (germline): Uncertain significance (1 of 4 stars; one submission).

Conditions:
Spinocerebellar ataxia 42, early-onset, severe, with neurodevelopmental deficits. Identifiers: MedGen C4748120, MONDO:0060758, OMIM 618087.

Allele frequency attached by ClinVar (database versions not stated): TOPMed below 0.00001; ExAC 0.00002; gnomAD exomes below 0.00001.

Submission:

Centre for Mendelian Genomics, University Medical Centre Ljubljana
Classification: Uncertain significance for Spinocerebellar ataxia 42, early-onset, severe, with neurodevelopmental deficits. Last evaluated: 2018-11-05. Review status: criteria provided, single submitter. Criteria: ACMG Guidelines, 2015. Collection method: clinical testing. Allele origin: unknown. Affected: yes.
Comment: This variant was classified as: Uncertain significance. The available evidence on this variant's pathogenicity is insufficient or conflicting. The following ACMG criteria were applied in classifying this variant: PP2,PP3.